The following is an entry in ClinVar:

NM_015151.4(DIP2A):c.193A>G (p.Arg65Gly)

Gene: DIP2A (DIP2 acetate--CoA ligase A; plus strand). Cytogenetic location: 21q22.3.
Variant type: single nucleotide variant.
Coding change: c.193A>G on transcript NM_015151.4 (MANE Select); coding-DNA position 193, A replaced by G.
Protein change: p.Arg65Gly; replaces arginine 65 with glycine.
Molecular consequence: missense variant.
Genome position (GRCh38, 1-based): chr21:46,490,629, A>G. VCF-style: chr21-46490629-A-G. GRCh37 (hg19) VCF-style: chr21-47910542-A-G.
Other names: c.193A>G, p.Arg65Gly (NM_001146115.2, NM_001146116.2, NM_001353942.2 and 6 more transcripts); short protein forms R65G.
Identifiers: ClinVar variation 2409858 (VCV002409858.5), dbSNP rs200820815, ClinGen allele CA10081646.

ClinVar aggregate classification (germline): Conflicting classifications of pathogenicity. Review status: criteria provided, conflicting classifications (1 of 4 stars). 2 submissions from 2 submitters: Uncertain significance (1); Likely benign (1). Last evaluated 2025-11-27.

Allele frequency attached by ClinVar (database versions not stated): gnomAD 0.00009; gnomAD exomes 0.00009; TOPMed 0.00012; ESP Exome Variant Server 0.00017; ExAC 0.00023.
gnomAD v4.1: 143 of 1,580,266 alleles (0.009%); highest among the groups gnomAD compares: Admixed American, 0.011%; no homozygotes.

Submissions (2):

Dasa
Classification: Likely benign. Last evaluated: 2025-11-27. Review status: criteria provided, single submitter. Criteria: DASA Assertion Criteria. Collection method: clinical testing. Allele origin: germline.
Comment: NM_015151.4(DIP2A):c.193A>G (p.Arg65Gly) is a missense variant that results in the substitution of arginine with glycine. Computational prediction algorithms are consistent with a benign effect. Therefore, based on the currently available evidence, this variant is classified as likely benign.

Ambry Genetics
Classification: Uncertain significance. Last evaluated: 2024-11-13. Review status: criteria provided, single submitter. Criteria: Ambry Variant Classification Scheme 2023. Collection method: clinical testing. Allele origin: germline.